The following is an entry in ClinVar:

NM_002850.4(PTPRS):c.3405C>T (p.Asp1135=)

Gene: PTPRS (protein tyrosine phosphatase receptor type S; minus strand). Cytogenetic location: 19p13.3.
Variant type: single nucleotide variant.
Coding change: c.3405C>T on transcript NM_002850.4 (MANE Select); coding-DNA position 3405, C replaced by T.
Protein change: p.Asp1135=; no amino-acid change (aspartic acid 1135 retained).
Molecular consequence: synonymous variant.
Genome position (GRCh38, 1-based): chr19:5,221,050, G>A on the plus strand (C>T on the coding strand, the complement: PTPRS is on the minus strand). VCF-style: chr19-5221050-G-A. GRCh37 (hg19) VCF-style: chr19-5221061-G-A.
Other names: c.3339C>T, p.Asp1113= (NM_001394011.1, NM_001394013.1, NM_130854.3); c.3366C>T, p.Asp1122= (NM_001394012.1); c.2112C>T, p.Asp704= (NM_130853.3); c.2124C>T, p.Asp708= (NM_130855.3).
Identifiers: ClinVar variation 3038701 (VCV003038701.2), dbSNP rs752585208, ClinGen allele CA9109590.
Genomic context (GRCh38, chr19:5,221,050, plus strand): 5'-GTGAGCATACTGGACAGGCACGGGGCTCTGGCCGTCAGGAAGATACACCATGATGAAGCC[G>A]TCAGCATCAGGCTTGGGGGCGACGCTGGGCTTGCCGTTGAGCAGGTTGAAGGCAGTCCAG-3'
Protein context (NP_002841.3, residues 1125-1145): KPSVAPKPDA[Asp1135=]GFIMVYLPDG

ClinVar aggregate classification (germline): Likely benign (0 of 4 stars; one submission).

Conditions:
PTPRS-related disorder. Also called: PTPRS-related condition.

Allele frequency attached by ClinVar (database versions not stated): ExAC 0.00004; gnomAD exomes 0.00004; gnomAD 0.00011; TOPMed 0.00011.
gnomAD v4.1: 83 of 1,613,680 alleles (0.0051%); highest among the groups gnomAD compares: Admixed American, 0.037%; no homozygotes.

Submission:

PreventionGenetics, part of Exact Sciences
Classification: Likely benign for PTPRS-related condition. Last evaluated: 2019-05-28. Review status: no assertion criteria provided. Collection method: clinical testing. Allele origin: germline.
Comment: This variant is classified as likely benign based on ACMG/AMP sequence variant interpretation guidelines (Richards et al. 2015 PMID: 25741868, with internal and published modifications).